The following is an entry in ClinVar:

ClinVar aggregate classification (germline): Uncertain significance (1 of 4 stars; one submission).

Conditions:
Noonan syndrome 9 (NS9). Identifiers: Orphanet 648, MedGen C4225282, MONDO:0014691, OMIM 616559.

Submission:

Labcorp Genetics (formerly Invitae), Labcorp
Classification: Uncertain significance for Noonan syndrome 9. Last evaluated: 2025-04-08. Review status: criteria provided, single submitter. Criteria: Invitae Variant Classification Sherloc (09022015). Collection method: clinical testing. Allele origin: germline.
Comment: This sequence change replaces alanine, which is neutral and non-polar, with valine, which is neutral and non-polar, at codon 93 of the SOS2 protein (p.Ala93Val). This variant is not present in population databases (gnomAD no frequency). This variant has not been reported in the literature in individuals affected with SOS2-related conditions. Invitae Evidence Modeling of protein sequence and biophysical properties (such as structural, functional, and spatial information, amino acid conservation, physicochemical variation, residue mobility, and thermodynamic stability) indicates that this missense variant is not expected to disrupt SOS2 protein function with a negative predictive value of 95%. In summary, the available evidence is currently insufficient to determine the role of this variant in disease. Therefore, it has been classified as a Variant of Uncertain Significance.

NM_006939.4(SOS2):c.278C>T (p.Ala93Val)

Gene: SOS2 (SOS Ras/Rho guanine nucleotide exchange factor 2; minus strand). Cytogenetic location: 14q21.3.
Variant type: single nucleotide variant.
Coding change: c.278C>T on transcript NM_006939.4 (MANE Select); coding-DNA position 278, C replaced by T.
Protein change: p.Ala93Val; replaces alanine 93 with valine.
Molecular consequence: missense variant.
Genome position (GRCh38, 1-based): chr14:50,201,020, G>A on the plus strand (C>T on the coding strand, the complement: SOS2 is on the minus strand). VCF-style: chr14-50201020-G-A. GRCh37 (hg19) VCF-style: chr14-50667738-G-A.
Other names: c.278C>T, p.Ala93Val (NM_001411020.1); short protein forms A93V.
Identifiers: ClinVar variation 4744947 (VCV004744947.1).